The following is an entry in ClinVar:

NM_001999.4(FBN2):c.6445+5G>A

Gene: FBN2 (fibrillin 2; minus strand). Cytogenetic location: 5q23.3.
Variant type: single nucleotide variant.
Coding change: c.6445+5G>A on transcript NM_001999.4 (MANE Select); 5 bases into the intron after coding-DNA position 6445, G replaced by A.
Molecular consequence: intron variant.
Genome position (GRCh38, 1-based): chr5:128,290,727, C>T on the plus strand (G>A on the coding strand, the complement: FBN2 is on the minus strand). VCF-style: chr5-128290727-C-T. GRCh37 (hg19) VCF-style: chr5-127626419-C-T.
Identifiers: ClinVar variation 519572 (VCV000519572.6), dbSNP rs761871037, ClinGen allele CA3394420.

ClinVar aggregate classification (germline): Uncertain significance (1 of 4 stars; one submission).

Conditions:
Familial thoracic aortic aneurysm and aortic dissection (TAAD). Also called: Thoracic aortic aneurysms and dissections. Identifiers: Orphanet 91387, MedGen C4707243, MONDO:0019625.

Allele frequency attached by ClinVar (database versions not stated): gnomAD 0.00001; TOPMed 0.00001; gnomAD exomes 0.00002 and below 0.00001; ExAC 0.00001.
gnomAD v4.1: 34 of 1,613,904 alleles (0.0021%); highest among the groups gnomAD compares: Non-Finnish European, 0.0028%; no homozygotes.

Submission:

Ambry Genetics
Classification: Uncertain significance for Familial thoracic aortic aneurysm and aortic dissection. Last evaluated: 2026-08-19. Review status: criteria provided, single submitter. Criteria: Ambry Variant Classification Scheme 2023. Collection method: clinical testing. Allele origin: germline.
Comment: The c.6445+5G>A intronic variant results from a G to A substitution 5 nucleotides after coding exon 50 in the FBN2 gene. This nucleotide position is well conserved in available vertebrate species. In silico splice site analysis predicts that this alteration will not have any significant effect on splicing. Based on the available evidence, the clinical significance of this variant remains unclear.